The following is an entry in ClinVar:

ClinVar aggregate classification (germline): Likely pathogenic (1 of 4 stars; one submission).

Conditions:
Mucopolysaccharidosis, MPS-II (MPS2). Also called: Hunter Syndrome; IDURONATE 2-SULFATASE DEFICIENCY; Mucopolysaccharidosis Type II; Mucopolysaccharidosis type 2; Attenuated MPS (subtype; formerly known as mild MPS II); Severe MPS II. Identifiers: Orphanet 580, Orphanet 79388, MedGen C0026705, MONDO:0010674, OMIM 309900.

Submission:

Laboratory of Diagnosis and Therapy of Lysosomal Disorders, University of Padova
Classification: Likely pathogenic for Mucopolysaccharidosis, MPS-II. Last evaluated: 2024-06-07. Review status: criteria provided, single submitter. Criteria: ACMG Guidelines, 2015. Collection method: literature only. Allele origin: germline. Affected: yes. Observed: 2 variant alleles.
Comment: Null variant (PVS1_Strong), Absent from controls (or at low frequency) in gnomAD database (PM2_Moderate), Patient’s phenotype or family history highly specific for the disease (PP4_Moderate)

Classification method: ACMG Guidelines [PMID:25741868] with modifications

Literature cited by the submitters: PubMed 9950361; PubMed 9442913.

NM_000202.8(IDS):c.1063dup (p.Thr355fs)

Genes: IDS (iduronate 2-sulfatase; minus strand), LOC106050102 (IDS recombination region; plus strand). Cytogenetic location: Xq28.
Variant type: Duplication.
Coding change: c.1063dup on transcript NM_000202.8 (MANE Select); coding-DNA position 1063, one base duplicated (A; older notation c.1063dupA).
Protein change: p.Thr355fs; shifts the reading frame from threonine 355.
Molecular consequence: frameshift variant.
Genome position (GRCh38, 1-based): chrX:149,487,042, T duplicated on the plus strand (A on the coding strand, the reverse complement: IDS is on the minus strand). VCF-style (leftmost placement, unchanged base first): chrX-149487041-G-GT. GRCh37 (hg19) VCF-style: chrX-148568572-G-GT.
Other names: c.793dup, p.Thr265fs (NM_001166550.4); short protein forms T265fs, T355fs.
Identifiers: ClinVar variation 3255957 (VCV003255957.2).